The following is an entry in ClinVar:

NM_000518.5(HBB):c.436T>C (p.Tyr146His)

Genes: HBB (hemoglobin subunit beta; minus strand), LOC107133510 (origin of replication at HBB; plus strand), LOC110006319 (beta-globin gene 3' regulatory region; plus strand). Cytogenetic location: 11p15.4.
Variant type: single nucleotide variant.
Coding change: c.436T>C on transcript NM_000518.5 (MANE Select); coding-DNA position 436, T replaced by C.
Protein change: p.Tyr146His; replaces tyrosine 146 with histidine.
Molecular consequence: missense variant.
Genome position (GRCh38, 1-based): chr11:5,225,606, A>G on the plus strand (T>C on the coding strand, the complement: HBB is on the minus strand). VCF-style: chr11-5225606-A-G. GRCh37 (hg19) VCF-style: chr11-5246836-A-G.
Other names: Y145H; Hb Bethesda; short protein forms Y146H.
Identifiers: ClinVar variation 15112 (VCV000015112.11), dbSNP rs33949869, ClinGen allele CA124752.

ClinVar aggregate classification (germline): Pathogenic. Review status: criteria provided, single submitter (1 of 4 stars). 3 submissions from 2 submitters: Pathogenic (1). 2 of the submissions do not count toward it. Last evaluated 2024-06-25.

Conditions:
Erythrocytosis, familial, 6. Also called: ERYTHROCYTOSIS, BETA-GLOBIN TYPE; POLYCYTHEMIA, BETA-GLOBIN TYPE. Identifiers: MedGen C4693822, MONDO:0054801, OMIM 617980.
HEMOGLOBIN BETHESDA.

Submissions (3):

ARUP Laboratories, Molecular Genetics and Genomics, ARUP Laboratories
Classification: Pathogenic. Last evaluated: 2024-06-25. Review status: criteria provided, single submitter. Criteria: ARUP Molecular Germline Variant Investigation Process 2024. Collection method: clinical testing. Allele origin: germline.
Comment: The Hb Bethesda (HBB: c.436T>C; p.Tyr146His, also known as Tyr145His when numbered from the mature protein, rs33949869, HbVar ID: 570, ClinVar Variation ID: 15112), is reported in the literature in the heterozygous state in multiple individuals affected with erythrocytosis (see link to HbVar, Franklin 1986, McClure 2006, Tamura 2015, van Zwieten 2014). This variant is absent from the Genome Aggregation Database (v2.1.1), indicating it is not a common polymorphism. Functional analyses of the variant protein show increased oxygen affinity (see link to HbVar, Franklin 1986). Additionally, other amino acid substitutions at this codon (Hb Nancy, Hb Osler, Hb Rainier, Hb McKees Rocks) have been reported in individuals with erythrocytosis and are considered pathogenic (HbVar IDs: 571, 572, 573, 574), and several hemoglobin variants with high oxygen affinity leading to erythrocytosis are located at the carboxy-terminal end of the HBB gene (Wajcman 2004). Based on available information, the Hb Bethesda variant is considered to be pathogenic. References: Link to HbVar database: Franklin IM et al. Increasing haemoglobin oxygen affinity to prevent sickling: abnormal haemoglobin variants as models. Br J Haematol. 1986 Oct;64(2):319-29. PMID: 3778826. McClure RF et al. The JAK2 V617F mutation is absent in patients with erythrocytosis due to high oxygen affinity hemoglobin variants. Hemoglobin. 2006;30(4):487-9. PMID: 16987804. Tamura S et al. A Japanese Family with Congenital Erythrocytosis Caused by Haemoglobin Bethesda. Intern Med. 2015;54(18):2389-93. PMID: 26370867. van Zwieten R et al. Hemoglobin analyses in the Netherlands reveal more than 80 different variants including six novel ones. Hemoglobin. 2014;38(1):1-7. PMID: 24200101. Wajcman H and Galacteros F. Hemoglobins with high oxygen affinity leading to erythrocytosis. New variants and new concepts. Hemoglobin. 2005;29(2):91-106. PMID: 15921161.

OMIM
Classification: other for HEMOGLOBIN BETHESDA. Last evaluated: 2017-12-12. Review status: no assertion criteria provided. Collection method: literature only. Allele origin: germline. Not counted in ClinVar's aggregate classification.

OMIM
Classification: Pathogenic for ERYTHROCYTOSIS 6. Last evaluated: 1976-08-01. Review status: no assertion criteria provided. Collection method: literature only. Allele origin: germline. Not counted in ClinVar's aggregate classification.

Literature cited by the submitters: PubMed 5282843 (cited by OMIM); PubMed 5080413 (cited by OMIM); PubMed 4639015 (cited by OMIM); PubMed 949044 (cited by OMIM).